The following is an entry in ClinVar:

ClinVar aggregate classification (germline): Pathogenic. Review status: criteria provided, multiple submitters, no conflicts (2 of 4 stars). 3 submissions from 3 submitters: Pathogenic (2). 1 of the submissions does not count toward it. Last evaluated 2025-05-08.

Conditions:
Polycystic kidney disease, adult type (PKD1). Also called: Polycystic Kidney Disease 1, Autosomal Dominant; Polycystic kidney disease 1; Polycystic kidney disease 1, severe; POLYCYSTIC KIDNEY DISEASE 1 WITH OR WITHOUT POLYCYSTIC LIVER DISEASE; Polycystic Kidney, Autosomal Dominant; POLYCYSTIC KIDNEY DISEASE, ADULT, TYPE I. Identifiers: MedGen C3149841, MONDO:0008263, OMIM 173900.

Submissions (3):

GeneDx
Classification: Pathogenic. Last evaluated: 2025-05-08. Review status: criteria provided, single submitter. Criteria: GeneDx Variant Classification Process June 2021. Collection method: clinical testing. Allele origin: germline. Affected: yes.
Comment: Nonsense variant predicted to result in protein truncation or nonsense mediated decay in a gene for which loss of function is a known mechanism of disease; Not observed at significant frequency in large population cohorts (gnomAD); This variant is associated with the following publications: (PMID: 30586318, 11967008)

Juno Genomics, Hangzhou Juno Genomics, Inc
Classification: Pathogenic for Polycystic kidney disease, adult type. Review status: criteria provided, single submitter. Criteria: ACMG Guidelines, 2015. Collection method: clinical testing. Allele origin: germline. Affected: yes.
Comment: Absent from controls (or at extremely low frequency if recessive) in Genome Aggregation Database, Exome Sequencing Project, 1000 Genomes Project, or Exome Aggregation Consortium.;Null variant in a gene where loss of function (LOF) is a known mechanism of disease.;The prevalence of the variant in affected individuals is significantly increased compared to the prevalence in controls.;Patient's phenotype or family history is highly specific for a disease with a single genetic etiology.

Gharavi Laboratory, Columbia University
Classification: Likely pathogenic. Last evaluated: 2018-09-16. Review status: no assertion criteria provided. Criteria: ACMG Guidelines, 2015. Collection method: research. Allele origin: germline. Affected: yes. Not counted in ClinVar's aggregate classification.

NM_001009944.3(PKD1):c.1420C>T (p.Gln474Ter)

Gene: PKD1 (polycystin 1, transient receptor potential channel interacting; minus strand). Cytogenetic location: 16p13.3.
Variant type: single nucleotide variant.
Coding change: c.1420C>T on transcript NM_001009944.3 (MANE Select); coding-DNA position 1420, C replaced by T.
Protein change: p.Gln474Ter; replaces glutamine 474 with a stop codon.
Molecular consequence: nonsense.
Genome position (GRCh38, 1-based): chr16:2,117,019, G>A on the plus strand (C>T on the coding strand, the complement: PKD1 is on the minus strand). VCF-style: chr16-2117019-G-A. GRCh37 (hg19) VCF-style: chr16-2167020-G-A.
Other names: c.1420C>T (NM_001009944.2); c.1420C>T, p.Gln474Ter (NM_000296.4); short protein forms Q474*.
Identifiers: ClinVar variation 562325 (VCV000562325.4), dbSNP rs1567215646, ClinGen allele CA394392191.